The following is an entry in ClinVar:

ClinVar aggregate classification (germline): Uncertain significance (1 of 4 stars; one submission).

Allele frequency attached by ClinVar (database versions not stated): ExAC 0.00002; gnomAD 0.00003; TOPMed 0.00004; ESP Exome Variant Server 0.00008.
gnomAD v4.1: 51 of 1,612,254 alleles (0.0032%); highest among the groups gnomAD compares: Non-Finnish European, 0.0039%; no homozygotes.

Submission:

Labcorp Genetics (formerly Invitae), Labcorp
Classification: Uncertain significance. Last evaluated: 2022-02-10. Review status: criteria provided, single submitter. Criteria: Invitae Variant Classification Sherloc (09022015). Collection method: clinical testing. Allele origin: germline.
Comment: This variant has not been reported in the literature in individuals affected with POP1-related conditions. In summary, the available evidence is currently insufficient to determine the role of this variant in disease. Therefore, it has been classified as a Variant of Uncertain Significance. Algorithms developed to predict the effect of missense changes on protein structure and function are either unavailable or do not agree on the potential impact of this missense change (SIFT: "Deleterious"; PolyPhen-2: "Probably Damaging"; Align-GVGD: "Class C0"). This variant is present in population databases (rs149886997, gnomAD 0.003%). This sequence change replaces arginine, which is basic and polar, with tryptophan, which is neutral and slightly polar, at codon 574 of the POP1 protein (p.Arg574Trp).

NM_001145860.2(POP1):c.1720C>T (p.Arg574Trp)

Gene: POP1 (POP1 ribonuclease P/MRP subunit; plus strand). Cytogenetic location: 8q22.2.
Variant type: single nucleotide variant.
Coding change: c.1720C>T on transcript NM_001145860.2 (MANE Select); coding-DNA position 1720, C replaced by T.
Protein change: p.Arg574Trp; replaces arginine 574 with tryptophan.
Molecular consequence: missense variant.
Genome position (GRCh38, 1-based): chr8:98,148,824, C>T. VCF-style: chr8-98148824-C-T. GRCh37 (hg19) VCF-style: chr8-99161052-C-T.
Other names: c.1720C>T, p.Arg574Trp (NM_001145861.2, NM_015029.3); short protein forms R574W.
Identifiers: ClinVar variation 1944281 (VCV001944281.5), dbSNP rs149886997, ClinGen allele CA4820687.